The following is an entry in ClinVar:

ClinVar aggregate classification (germline): Conflicting classifications of pathogenicity. Review status: criteria provided, conflicting classifications (1 of 4 stars). 6 submissions from 6 submitters: Uncertain significance (4); Likely benign (2). Last evaluated 2026-02-26.

Conditions:
Familial thoracic aortic aneurysm and aortic dissection (TAAD). Also called: Thoracic aortic aneurysms and dissections. Identifiers: Orphanet 91387, MedGen C4707243, MONDO:0019625.
Marfan syndrome (MFS). Also called: Marfan syndrome type 1; Marfan syndrome, classic; Marfan's syndrome; FBN1-Related Marfan Syndrome; MARFAN SYNDROME, TYPE I. Identifiers: Orphanet 284963, Orphanet 558, MedGen C0024796, MONDO:0007947, OMIM 154700.

Allele frequency attached by ClinVar (database versions not stated): gnomAD exomes 0.00002 and 0.00003; gnomAD 0.00001; ExAC 0.00002.
gnomAD v4.1: 32 of 1,613,888 alleles (0.002%); highest among the groups gnomAD compares: African/African-American, 0.0027%; no homozygotes.

Submissions (6):

Ambry Genetics
Classification: Uncertain significance for Familial thoracic aortic aneurysm and aortic dissection. Last evaluated: 2026-02-26. Review status: criteria provided, single submitter. Criteria: Ambry Variant Classification Scheme 2023. Collection method: clinical testing. Allele origin: germline.
Comment: The c.1117G>A (p.A373T) alteration is located in exon 10 (coding exon 9) of the FBN1 gene. This alteration results from a G to A substitution at nucleotide position 1117, causing the alanine (A) at amino acid position 373 to be replaced by a threonine (T). Based on data from gnomAD, the A allele has an overall frequency of 0.003% (7/251242) total alleles studied. The highest observed frequency was 0.006% (1/16254) of African alleles. Based on insufficient or conflicting evidence, the clinical significance of this alteration remains unclear.

Labcorp Genetics (formerly Invitae), Labcorp
Classification: Likely benign for Marfan syndrome; Familial thoracic aortic aneurysm and aortic dissection. Last evaluated: 2025-10-21. Review status: criteria provided, single submitter. Criteria: Invitae Variant Classification Sherloc (09022015). Collection method: clinical testing. Allele origin: germline.

All of Us Research Program, National Institutes of Health
Classification: Uncertain significance for Marfan syndrome. Last evaluated: 2024-09-26. Review status: criteria provided, single submitter. Criteria: ACMG Guidelines, 2015. Collection method: clinical testing. Allele origin: germline. Inheritance: Autosomal dominant inheritance. Observed: 6 variant alleles, 6 heterozygotes.
Comment: This missense variant replaces alanine with threonine at codon 373 of the FBN1 protein. Computational prediction suggests that this variant may not impact protein structure and function (internally defined REVEL score threshold <= 0.5, PMID: 27666373). To our knowledge, functional studies have not been reported for this variant. This variant has not been reported in individuals affected with cardiovascular disorders in the literature. This variant has been identified in 7/251242 chromosomes in the general population by the Genome Aggregation Database (gnomAD). The available evidence is insufficient to determine the role of this variant in disease conclusively. Therefore, this variant is classified as a Variant of Uncertain Significance.

This study involves interpretation of variants in research participants for the purpose of population health screening. Participant phenotype was not available at the time of variant classification. Additional details can be found in publication PMID: 35346344, PMCID: PMC8962531

Color Diagnostics, LLC DBA Color Health
Classification: Uncertain significance for Familial thoracic aortic aneurysm and aortic dissection. Last evaluated: 2024-08-21. Review status: criteria provided, single submitter. Criteria: ACMG Guidelines, 2015. Collection method: clinical testing. Allele origin: germline.
Comment: This missense variant replaces alanine with threonine at codon 373 of the FBN1 protein. Computational prediction suggests that this variant may not impact protein structure and function. To our knowledge, functional studies have not been reported for this variant. This variant has not been reported in individuals affected with FBN1-related disorders in the literature. This variant has been identified in 7/251242 chromosomes in the general population by the Genome Aggregation Database (gnomAD). The available evidence is insufficient to determine the role of this variant in disease conclusively. Therefore, this variant is classified as a Variant of Uncertain Significance.

Women's Health and Genetics/Laboratory Corporation of America, LabCorp
Classification: Uncertain significance. Last evaluated: 2024-03-12. Review status: criteria provided, single submitter. Criteria: LabCorp Variant Classification Summary - May 2015. Collection method: clinical testing. Allele origin: germline.
Comment: Variant summary: FBN1 c.1117G>A (p.Ala373Thr) results in a non-conservative amino acid change located in the TB domain (IPR017878) of the encoded protein sequence. Three of five in-silico tools predict a benign effect of the variant on protein function. The variant allele was found at a frequency of 2.8e-05 in 251242 control chromosomes. The available data on variant occurrences in the general population are insufficient to allow any conclusion about variant significance. To our knowledge, no occurrence of c.1117G>A in individuals affected with Marfan Syndrome and no experimental evidence demonstrating its impact on protein function have been reported. ClinVar contains an entry for this variant (Variation ID: 519753). Based on the evidence outlined above, the variant was classified as uncertain significance.

Blueprint Genetics
Classification: Likely benign. Last evaluated: 2023-05-19. Review status: criteria provided, single submitter. Criteria: ACMG Guidelines, 2015. Collection method: clinical testing. Allele origin: germline.

NM_000138.5(FBN1):c.1117G>A (p.Ala373Thr)

Genes: FBN1 (fibrillin 1; minus strand), LOC113939944 (Sharpr-MPRA regulatory region 9539; plus strand). Cytogenetic location: 15q21.1.
Variant type: single nucleotide variant.
Coding change: c.1117G>A on transcript NM_000138.5 (MANE Select); coding-DNA position 1117, G replaced by A.
Protein change: p.Ala373Thr; replaces alanine 373 with threonine.
Molecular consequence: missense variant.
Genome position (GRCh38, 1-based): chr15:48,520,689, C>T on the plus strand (G>A on the coding strand, the complement: FBN1 is on the minus strand). VCF-style: chr15-48520689-C-T. GRCh37 (hg19) VCF-style: chr15-48812886-C-T.
Other names: short protein forms A373T.
Identifiers: ClinVar variation 519753 (VCV000519753.26), dbSNP rs766162654, ClinGen allele CA043561.